The following is an entry in ClinVar:

NM_002448.3(MSX1):c.796G>A (p.Ala266Thr)

Gene: MSX1 (msh homeobox 1; plus strand). Cytogenetic location: 4p16.2.
Variant type: single nucleotide variant.
Coding change: c.796G>A on transcript NM_002448.3 (MANE Select); coding-DNA position 796, G replaced by A.
Protein change: p.Ala266Thr; replaces alanine 266 with threonine.
Molecular consequence: missense variant.
Genome position (GRCh38, 1-based): chr4:4,863,027, G>A. VCF-style: chr4-4863027-G-A. GRCh37 (hg19) VCF-style: chr4-4864754-G-A.
Other names: short protein forms A266T.
Identifiers: ClinVar variation 1035233 (VCV001035233.7), dbSNP rs376516578, ClinGen allele CA2833119.
Genomic context (GRCh38, chr4:4,863,027, plus strand): 5'-CTGCCACCGGCTGCCTTCGGCCTCTCCTTCCCTCTCGGCGGCCCCGCAGCTGTAGCGGCC[G>A]CGGCGGGTGCCTCGCTCTACGGTGCCTCTGGCCCCTTCCAGCGCGCCGCGCTGCCTGTGG-3'
Protein context (NP_002439.2, residues 256-276): PLGGPAAVAA[Ala266Thr]AGASLYGASG

ClinVar aggregate classification (germline): Uncertain significance (1 of 4 stars; one submission).

Conditions:
Hypoplastic enamel-onycholysis-hypohidrosis syndrome (TNS). Also called: ECTODERMAL DYSPLASIA 3, TOOTH/NAIL TYPE; WITKOP SYNDROME; NAIL DYSPLASIA WITH HYPODONTIA; ECTODERMAL DYSPLASIA 3, WITKOP TYPE; Tooth-and-Nail Syndrome. Identifiers: Orphanet 2228, MedGen C0406735, MONDO:0008582, OMIM 189500.

Allele frequency attached by ClinVar (database versions not stated): TOPMed 0.00004; ESP Exome Variant Server 0.00008; 1000 Genomes Project 30x 0.00016.
gnomAD v4.1: 17 of 1,610,394 alleles (0.0011%); highest among the groups gnomAD compares: African/African-American, 0.016%; no homozygotes.

Submission:

Labcorp Genetics (formerly Invitae), Labcorp
Classification: Uncertain significance for Hypoplastic enamel-onycholysis-hypohidrosis syndrome. Last evaluated: 2022-08-16. Review status: criteria provided, single submitter. Criteria: Invitae Variant Classification Sherloc (09022015). Collection method: clinical testing. Allele origin: germline.
Comment: This sequence change replaces alanine, which is neutral and non-polar, with threonine, which is neutral and polar, at codon 266 of the MSX1 protein (p.Ala266Thr). This variant is present in population databases (rs376516578, gnomAD 0.003%). This variant has not been reported in the literature in individuals affected with MSX1-related conditions. ClinVar contains an entry for this variant (Variation ID: 1035233). Algorithms developed to predict the effect of missense changes on protein structure and function (SIFT, PolyPhen-2, Align-GVGD) all suggest that this variant is likely to be tolerated. In summary, the available evidence is currently insufficient to determine the role of this variant in disease. Therefore, it has been classified as a Variant of Uncertain Significance.